The following is an entry in ClinVar:

ClinVar aggregate classification (germline): Uncertain significance. Review status: criteria provided, multiple submitters, no conflicts (2 of 4 stars). 2 submissions from 2 submitters: Uncertain significance (2). Last evaluated 2025-12-05.

Conditions:
Inborn genetic diseases. Identifiers: MedGen C0950123, MeSH D030342.

Allele frequency attached by ClinVar (database versions not stated): gnomAD 0.00001; TOPMed 0.00002; ESP Exome Variant Server 0.00008.
gnomAD v4.1: 17 of 1,612,026 alleles (0.0011%); highest among the groups gnomAD compares: East Asian, 0.0089%; no homozygotes.

Submissions (2):

Labcorp Genetics (formerly Invitae), Labcorp
Classification: Uncertain significance. Last evaluated: 2025-12-05. Review status: criteria provided, single submitter. Criteria: Invitae Variant Classification Sherloc (09022015). Collection method: clinical testing. Allele origin: germline.
Comment: This sequence change replaces arginine, which is basic and polar, with cysteine, which is neutral and slightly polar, at codon 2170 of the DCHS1 protein (p.Arg2170Cys). This variant is present in population databases (rs367695682, gnomAD 0.01%). This variant has not been reported in the literature in individuals affected with DCHS1-related conditions. ClinVar contains an entry for this variant (Variation ID: 1474699). Invitae Evidence Modeling of protein sequence and biophysical properties (such as structural, functional, and spatial information, amino acid conservation, physicochemical variation, residue mobility, and thermodynamic stability) indicates that this missense variant is not expected to disrupt DCHS1 protein function with a negative predictive value of 80%. In summary, the available evidence is currently insufficient to determine the role of this variant in disease. Therefore, it has been classified as a Variant of Uncertain Significance.

Ambry Genetics
Classification: Uncertain significance for Inborn genetic diseases. Last evaluated: 2022-03-24. Review status: criteria provided, single submitter. Criteria: Ambry Variant Classification Scheme 2023. Collection method: clinical testing. Allele origin: germline.
Comment: The c.6508C>T (p.R2170C) alteration is located in exon 16 (coding exon 15) of the DCHS1 gene. This alteration results from a C to T substitution at nucleotide position 6508, causing the arginine (R) at amino acid position 2170 to be replaced by a cysteine (C). Based on data from gnomAD, the T allele has an overall frequency of <0.01% (7/278330) total alleles studied. The highest observed frequency was 0.02% (3/19716) of East Asian alleles. This amino acid position is highly conserved in available vertebrate species. The in silico prediction for this alteration is inconclusive. Based on insufficient or conflicting evidence, the clinical significance of this alteration remains unclear.

NM_003737.4(DCHS1):c.6508C>T (p.Arg2170Cys)

Gene: DCHS1 (dachsous cadherin-related 1; minus strand). Cytogenetic location: 11p15.4.
Variant type: single nucleotide variant.
Coding change: c.6508C>T on transcript NM_003737.4 (MANE Select); coding-DNA position 6508, C replaced by T.
Protein change: p.Arg2170Cys; replaces arginine 2170 with cysteine.
Molecular consequence: missense variant.
Genome position (GRCh38, 1-based): chr11:6,626,237, G>A on the plus strand (C>T on the coding strand, the complement: DCHS1 is on the minus strand). VCF-style: chr11-6626237-G-A. GRCh37 (hg19) VCF-style: chr11-6647468-G-A.
Other names: c.6508C>T (NM_003737.2); short protein forms R2170C.
Identifiers: ClinVar variation 1474699 (VCV001474699.7), dbSNP rs367695682, ClinGen allele CA5859845.